The following is an entry in ClinVar:

NM_032119.4(ADGRV1):c.18367G>A (p.Gly6123Arg)

Gene: ADGRV1 (adhesion G protein-coupled receptor V1; plus strand). Cytogenetic location: 5q14.3.
Variant type: single nucleotide variant.
Coding change: c.18367G>A on transcript NM_032119.4 (MANE Select); coding-DNA position 18367, G replaced by A.
Protein change: p.Gly6123Arg; replaces glycine 6123 with arginine.
Molecular consequence: missense variant. On other transcripts: non-coding transcript variant (1).
Genome position (GRCh38, 1-based): chr5:91,102,275, G>A. VCF-style: chr5-91102275-G-A. GRCh37 (hg19) VCF-style: chr5-90398092-G-A.
Other names: short protein forms G6123R.
Identifiers: ClinVar variation 855488 (VCV000855488.11), dbSNP rs1355071477, ClinGen allele CA360431409.

ClinVar aggregate classification (germline): Uncertain significance. Review status: criteria provided, multiple submitters, no conflicts (2 of 4 stars). 2 submissions from 2 submitters: Uncertain significance (2). Last evaluated 2025-07-02.

Allele frequency attached by ClinVar (database versions not stated): gnomAD exomes below 0.00001.
gnomAD v4.1: 2 of 1,610,652 alleles (0.00012%); highest among the groups gnomAD compares: Non-Finnish European, 0.00017%; no homozygotes.

Submissions (2):

Women's Health and Genetics/Laboratory Corporation of America, LabCorp
Classification: Uncertain significance. Last evaluated: 2025-07-02. Review status: criteria provided, single submitter. Criteria: LabCorp Variant Classification Summary - May 2015. Collection method: clinical testing. Allele origin: germline.
Comment: Variant summary: ADGRV1 c.18367G>A (p.Gly6123Arg) results in a non-conservative amino acid change in the encoded protein sequence. Algorithms developed to predict the effect of missense changes on protein structure and function are either unavailable or do not agree on the potential impact of this missense change. The frequency data for this variant in gnomAD is considered unreliable, as metrics indicate poor data quality at this position. c.18367G>A has been observed in individual(s) affected with ADGRV1-Related Disorders (internal data). These data do not allow any conclusion about variant significance. To our knowledge, no experimental evidence demonstrating an impact on protein function has been reported. ClinVar contains an entry for this variant (Variation ID: 855488). Based on the evidence outlined above, the variant was classified as uncertain significance.

Labcorp Genetics (formerly Invitae), Labcorp
Classification: Uncertain significance. Last evaluated: 2022-09-27. Review status: criteria provided, single submitter. Criteria: Invitae Variant Classification Sherloc (09022015). Collection method: clinical testing. Allele origin: germline.
Comment: Advanced modeling of protein sequence and biophysical properties (such as structural, functional, and spatial information, amino acid conservation, physicochemical variation, residue mobility, and thermodynamic stability) performed at Invitae indicates that this missense variant is not expected to disrupt ADGRV1 protein function. In summary, the available evidence is currently insufficient to determine the role of this variant in disease. Therefore, it has been classified as a Variant of Uncertain Significance. ClinVar contains an entry for this variant (Variation ID: 855488). This missense change has been observed in individual(s) with Usher syndrome (Invitae). In at least one individual the data is consistent with being in trans (on the opposite chromosome) from a pathogenic variant. The frequency data for this variant in the population databases is considered unreliable, as metrics indicate poor data quality at this position in the gnomAD database. This sequence change replaces glycine, which is neutral and non-polar, with arginine, which is basic and polar, at codon 6123 of the ADGRV1 protein (p.Gly6123Arg).